The following is an entry in ClinVar:

ClinVar aggregate classification (germline): Uncertain significance. Review status: criteria provided, multiple submitters, no conflicts (2 of 4 stars). 3 submissions from 3 submitters: Uncertain significance (3). Last evaluated 2023-04-17.

Conditions:
Alstrom syndrome (ALMS). Identifiers: Orphanet 64, MedGen C0268425, MONDO:0008763, OMIM 203800.
Cardiovascular phenotype. Identifiers: MedGen CN230736.

Submissions (3):

Ambry Genetics
Classification: Uncertain significance for Cardiovascular phenotype. Last evaluated: 2023-04-17. Review status: criteria provided, single submitter. Criteria: Ambry Variant Classification Scheme 2023. Collection method: clinical testing. Allele origin: germline.
Comment: The p.I376V variant (also known as c.1126A>G), located in coding exon 5 of the ALMS1 gene, results from an A to G substitution at nucleotide position 1126. The isoleucine at codon 376 is replaced by valine, an amino acid with highly similar properties. This amino acid position is poorly conserved in available vertebrate species. In addition, this alteration is predicted to be tolerated by in silico analysis. Since supporting evidence is limited at this time, the clinical significance of this alteration remains unclear.

Labcorp Genetics (formerly Invitae), Labcorp
Classification: Uncertain significance for Alstrom syndrome. Last evaluated: 2022-06-26. Review status: criteria provided, single submitter. Criteria: Invitae Variant Classification Sherloc (09022015). Collection method: clinical testing. Allele origin: germline.
Comment: This sequence change replaces isoleucine, which is neutral and non-polar, with valine, which is neutral and non-polar, at codon 376 of the ALMS1 protein (p.Ile376Val). This variant is not present in population databases (gnomAD no frequency). This variant has not been reported in the literature in individuals affected with ALMS1-related conditions. Experimental studies and prediction algorithms are not available or were not evaluated, and the functional significance of this variant is currently unknown. In summary, the available evidence is currently insufficient to determine the role of this variant in disease. Therefore, it has been classified as a Variant of Uncertain Significance.

Blueprint Genetics
Classification: Uncertain significance. Last evaluated: 2019-10-29. Review status: criteria provided, single submitter. Criteria: ACMG Guidelines, 2015. Collection method: clinical testing. Allele origin: germline.

NM_001378454.1(ALMS1):c.1123A>G (p.Ile375Val)

Gene: ALMS1 (ALMS1 centrosome and basal body associated protein; plus strand). Cytogenetic location: 2p13.1.
Variant type: single nucleotide variant.
Coding change: c.1123A>G on transcript NM_001378454.1 (MANE Select); coding-DNA position 1123, A replaced by G.
Protein change: p.Ile375Val; replaces isoleucine 375 with valine.
Molecular consequence: missense variant.
Genome position (GRCh38, 1-based): chr2:73,424,788, A>G. VCF-style: chr2-73424788-A-G. GRCh37 (hg19) VCF-style: chr2-73651916-A-G.
Other names: c.1126A>G, p.Ile376Val (NM_015120.4); short protein forms I375V, I376V.
Identifiers: ClinVar variation 1989602 (VCV001989602.4), dbSNP rs886038611, ClinGen allele CA347261543.